The following is an entry in ClinVar:

ClinVar aggregate classification (germline): Uncertain significance. Review status: criteria provided, multiple submitters, no conflicts (2 of 4 stars). 2 submissions from 2 submitters: Uncertain significance (2). Last evaluated 2025-05-27.

Conditions:
Hereditary cancer-predisposing syndrome. Also called: Neoplastic Syndromes, Hereditary; Hereditary Cancer Syndrome; Tumor predisposition; Hereditary neoplastic syndrome. Identifiers: Orphanet 140162, MedGen C0027672, MeSH D009386, MONDO:0015356.
Tuberous sclerosis 1 (TSC1). Identifiers: Orphanet 805, MedGen C1854465, MONDO:0008612, OMIM 191100.

Submissions (2):

Labcorp Genetics (formerly Invitae), Labcorp
Classification: Uncertain significance for Tuberous sclerosis 1. Last evaluated: 2025-05-27. Review status: criteria provided, single submitter. Criteria: Invitae Variant Classification Sherloc (09022015). Collection method: clinical testing. Allele origin: germline.
Comment: This sequence change replaces glutamic acid, which is acidic and polar, with lysine, which is basic and polar, at codon 1106 of the TSC1 protein (p.Glu1106Lys). This variant is not present in population databases (gnomAD no frequency). This variant has not been reported in the literature in individuals affected with TSC1-related conditions. ClinVar contains an entry for this variant (Variation ID: 1692407). Invitae Evidence Modeling of protein sequence and biophysical properties (such as structural, functional, and spatial information, amino acid conservation, physicochemical variation, residue mobility, and thermodynamic stability) indicates that this missense variant is not expected to disrupt TSC1 protein function with a negative predictive value of 95%. In summary, the available evidence is currently insufficient to determine the role of this variant in disease. Therefore, it has been classified as a Variant of Uncertain Significance.

Sema4
Classification: Uncertain significance for Hereditary cancer-predisposing syndrome. Last evaluated: 2021-08-26. Review status: criteria provided, single submitter. Criteria: Sema4 Curation Guidelines. Collection method: curation. Allele origin: germline.
Comment: The TSC1 c.3316G>A (p.E1106K) variant has not been reported in the literature to our knowledge. This variant is not reported in the population database Genome Aggregation Database (PMID: 32461654), nor in ClinVar. Functional studies have not been performed, and in silico predictions of the variant's effect on protein function are inconclusive. The evidence is insufficient to meet ACMG/AMP criteria for classifying the variant as benign or pathogenic. Thus, the clinical significance of this variant is currently uncertain.

NM_000368.5(TSC1):c.3316G>A (p.Glu1106Lys)

Gene: TSC1 (TSC complex subunit 1; minus strand). Cytogenetic location: 9q34.13.
Variant type: single nucleotide variant.
Coding change: c.3316G>A on transcript NM_000368.5 (MANE Select); coding-DNA position 3316, G replaced by A.
Protein change: p.Glu1106Lys; replaces glutamic acid 1106 with lysine.
Molecular consequence: missense variant.
Genome position (GRCh38, 1-based): chr9:132,896,414, C>T on the plus strand (G>A on the coding strand, the complement: TSC1 is on the minus strand). VCF-style: chr9-132896414-C-T. GRCh37 (hg19) VCF-style: chr9-135771801-C-T.
Other names: c.3313G>A, p.Glu1105Lys (NM_001162426.2); c.3163G>A, p.Glu1055Lys (NM_001162427.2); c.2953G>A, p.Glu985Lys (NM_001362177.2); short protein forms E1055K, E1105K, E1106K, E985K.
Identifiers: ClinVar variation 1692407 (VCV001692407.6), dbSNP rs2131594768, ClinGen allele CA375366635.